The following is an entry in ClinVar:

ClinVar aggregate classification (germline): Uncertain significance. Review status: criteria provided, multiple submitters, no conflicts (2 of 4 stars). 4 submissions from 4 submitters: Uncertain significance (3). 1 of the submissions does not count toward it. Last evaluated 2026-01-17.

Conditions:
COL11A1-related disorder. Also called: COL11A1-related condition; COL11A1-related disorders.
Inborn genetic diseases. Identifiers: MedGen C0950123, MeSH D030342.

gnomAD v4.1: 9 of 1,613,056 alleles (0.00056%); highest among the groups gnomAD compares: Admixed American, 0.0017%; no homozygotes.

Submissions (4):

Labcorp Genetics (formerly Invitae), Labcorp
Classification: Uncertain significance. Last evaluated: 2026-01-17. Review status: criteria provided, single submitter. Criteria: Invitae Variant Classification Sherloc (09022015). Collection method: clinical testing. Allele origin: germline.
Comment: This sequence change replaces arginine, which is basic and polar, with glycine, which is neutral and non-polar, at codon 762 of the COL11A1 protein (p.Arg762Gly). This variant is present in population databases (rs759469788, gnomAD 0.003%). This variant has not been reported in the literature in individuals affected with COL11A1-related conditions. ClinVar contains an entry for this variant (Variation ID: 2662700). Invitae Evidence Modeling of protein sequence and biophysical properties (such as structural, functional, and spatial information, amino acid conservation, physicochemical variation, residue mobility, and thermodynamic stability) indicates that this missense variant is not expected to disrupt COL11A1 protein function with a negative predictive value of 80%. In summary, the available evidence is currently insufficient to determine the role of this variant in disease. Therefore, it has been classified as a Variant of Uncertain Significance.

Ambry Genetics
Classification: Uncertain significance for Inborn genetic diseases. Last evaluated: 2025-10-07. Review status: criteria provided, single submitter. Criteria: Ambry Variant Classification Scheme 2023. Collection method: clinical testing. Allele origin: germline.
Comment: The c.2284C>G (p.R762G) alteration is located in exon 27 (coding exon 27) of the COL11A1 gene. This alteration results from a C to G substitution at nucleotide position 2284, causing the arginine (R) at amino acid position 762 to be replaced by a glycine (G). Based on data from gnomAD, the G allele has an overall frequency of 0.001% (4/281016) total alleles studied. The highest observed frequency was 0.003% (1/35300) of Latino alleles. Based on insufficient or conflicting evidence, the clinical significance of this alteration remains unclear.

GeneDx
Classification: Uncertain significance. Last evaluated: 2023-10-04. Review status: criteria provided, single submitter. Criteria: GeneDx Variant Classification Process June 2021. Collection method: clinical testing. Allele origin: germline. Affected: yes.
Comment: Not observed at significant frequency in large population cohorts (gnomAD); In silico analysis supports that this missense variant has a deleterious effect on protein structure/function; Has not been previously published as pathogenic or benign to our knowledge

PreventionGenetics, part of Exact Sciences
Classification: Uncertain significance for COL11A1-related condition. Last evaluated: 2024-08-13. Review status: no assertion criteria provided. Collection method: clinical testing. Allele origin: germline. Not counted in ClinVar's aggregate classification.
Comment: The COL11A1 c.2284C>G variant is predicted to result in the amino acid substitution p.Arg762Gly. To our knowledge, this variant has not been reported in the literature. This variant is reported in 0.0028% of alleles in individuals of Latino descent in gnomAD. At this time, the clinical significance of this variant is uncertain due to the absence of conclusive functional and genetic evidence.

NM_001854.4(COL11A1):c.2284C>G (p.Arg762Gly)

Gene: COL11A1 (collagen type XI alpha 1 chain; minus strand). Cytogenetic location: 1p21.1.
Variant type: single nucleotide variant.
Coding change: c.2284C>G on transcript NM_001854.4 (MANE Select); coding-DNA position 2284, C replaced by G.
Protein change: p.Arg762Gly; replaces arginine 762 with glycine.
Molecular consequence: missense variant. On other transcripts: non-coding transcript variant (1).
Genome position (GRCh38, 1-based): chr1:102,996,000, G>C on the plus strand (C>G on the coding strand, the complement: COL11A1 is on the minus strand). VCF-style: chr1-102996000-G-C. GRCh37 (hg19) VCF-style: chr1-103461556-G-C.
Other names: c.1936C>G, p.Arg646Gly (NM_001168249.1, NM_080630.4); c.2320C>G, p.Arg774Gly (NM_080629.3); c.2167C>G, p.Arg723Gly (NM_001190709.2); short protein forms R646G, R723G, R762G, R774G.
Identifiers: ClinVar variation 2662700 (VCV002662700.6), dbSNP rs759469788, ClinGen allele CA974506.